The following is an entry in ClinVar:

ClinVar aggregate classification (germline): Uncertain significance (1 of 4 stars; one submission).

Allele frequency attached by ClinVar (database versions not stated): gnomAD 0.00001; gnomAD exomes 0.00003; ExAC 0.00004.
gnomAD v4.1: 41 of 1,608,288 alleles (0.0025%); highest among the groups gnomAD compares: South Asian, 0.042%; 1 homozygote.

Submission:

Labcorp Genetics (formerly Invitae), Labcorp
Classification: Uncertain significance. Last evaluated: 2024-05-23. Review status: criteria provided, single submitter. Criteria: Invitae Variant Classification Sherloc (09022015). Collection method: clinical testing. Allele origin: germline.
Comment: This sequence change replaces glutamic acid, which is acidic and polar, with lysine, which is basic and polar, at codon 192 of the IRF9 protein (p.Glu192Lys). This variant is present in population databases (rs765783196, gnomAD 0.04%). This variant has not been reported in the literature in individuals affected with IRF9-related conditions. An algorithm developed to predict the effect of missense changes on protein structure and function (PolyPhen-2) suggests that this variant is likely to be tolerated. In summary, the available evidence is currently insufficient to determine the role of this variant in disease. Therefore, it has been classified as a Variant of Uncertain Significance.

NM_006084.5(IRF9):c.574G>A (p.Glu192Lys)

Gene: IRF9 (interferon regulatory factor 9; plus strand). Cytogenetic location: 14q12.
Variant type: single nucleotide variant.
Coding change: c.574G>A on transcript NM_006084.5 (MANE Select); coding-DNA position 574, G replaced by A.
Protein change: p.Glu192Lys; replaces glutamic acid 192 with lysine.
Molecular consequence: missense variant.
Genome position (GRCh38, 1-based): chr14:24,163,956, G>A. VCF-style: chr14-24163956-G-A. GRCh37 (hg19) VCF-style: chr14-24633165-G-A.
Other names: c.574G>A, p.Glu192Lys (NM_001385400.1, NM_001385401.1, NM_001385402.1); short protein forms E192K.
Identifiers: ClinVar variation 2867682 (VCV002867682.3), dbSNP rs765783196, ClinGen allele CA7126476.